The following is an entry in ClinVar:

ClinVar aggregate classification (germline): Pathogenic (1 of 4 stars; one submission).

Conditions:
Ataxia-telangiectasia syndrome (AT). Also called: Ataxia-telangiectasia, complementation group D; AT, COMPLEMENTATION GROUP C; ATAXIA-TELANGIECTASIA, COMPLEMENTATION GROUP A; ATAXIA-TELANGIECTASIA, FRESNO VARIANT; Ataxia-telangiectasia; Ataxia-telangiectasia, complementation group E. Identifiers: Orphanet 100, MedGen C0004135, MONDO:0008840, OMIM 208900.

Submission:

Labcorp Genetics (formerly Invitae), Labcorp
Classification: Pathogenic for Ataxia-telangiectasia syndrome. Last evaluated: 2024-02-17. Review status: criteria provided, single submitter. Criteria: Invitae Variant Classification Sherloc (09022015). Collection method: clinical testing. Allele origin: germline.
Comment: This sequence change inserts a large fragment of DNA, likely a transposable element, in exon 46 of the ATM gene (c.6795_6796ins?), causing a frameshift at codon 2266 (p.Lys2266fs). The exact size and sequence of the insertion cannot be determined by the current assay. However, the insertion is expected to result in an absent or disrupted protein product. This variant is not present in population databases (gnomAD no frequency). This variant has not been reported in the literature in individuals affected with ATM-related conditions. Retrotransposon insertions including LINE1 (L1), Alu, and SVA (SINE-VNTR-Alu) have been reported to be disease-causing through disruption of either a coding region or splice site (PMID: 19763152, 20307669, 22406018) and loss-of-function variants in ATM are known to be pathogenic (PMID: 23807571, 25614872). For these reasons, this variant has been classified as Pathogenic.

Literature cited by the submitters: PubMed 19763152; PubMed 20307669; PubMed 22406018; PubMed 23807571; PubMed 25614872.

NM_000051.4(ATM):c.6795_6796insTTTTTTTTTTTTTTTTTTTTNNNNNNNNNNCATGATCCACCCGCCGCGGCCTCCCAAAGTGCTGGGATTACAGGCGTGAGCCACCGCGCCCGGCCTATGGCCAGAACTTTC (p.Phe2265_Lys2266insPhePhePhePhePhePheXaaXaaXaaXaaHisAspProProAlaAlaAlaSerGlnSerAlaGlyIleThrGlyValSerHisArgAlaArgProMetAlaArgThrPhe)

Genes: ATM (ATM serine/threonine kinase; plus strand), C11orf65 (chromosome 11 open reading frame 65; minus strand). Cytogenetic location: 11q22.3.
Variant type: Insertion.
Coding change: c.6795_6796insTTTTTTTTTTTTTTTTTTTTNNNNNNNNNNCATGATCCACCCGCCGCGGCCTCCCAAAGTGCTGGGATTACAGGCGTGAGCCACCGCGCCCGGCCTATGGCCAGAACTTTC on transcript NM_000051.4 (MANE Select); coding-DNA positions 6795 to 6796, TTTTTTTTTTTTTTTTTTTTNNNNNNNNNNCATGATCCACCCGCCGCGGCCTCCCAAAGTGCTGGGATTACAGGCGTGAGCCACCGCGCCCGGCCTATGGCCAGAACTTTC inserted.
Protein change: p.Phe2265_Lys2266insPhePhePhePhePhePheXaaXaaXaaXaaHisAspProProAlaAlaAlaSerGlnSerAlaGlyIleThrGlyValSerHisArgAlaArgProMetAlaArgThrPhe.
Molecular consequence: inframe insertion. On other transcripts: intron variant (2).
Genome position: GRCh38: chr11:108,325,532-108,325,533. GRCh37 (hg19): chr11:108,196,259-108,196,260.
Other names: c.6795_6796insTTTTTTTTTTTTTTTTTTTTNNNNNNNNNNCATGATCCACCCGCCGCGGCCTCCCAAAGTGCTGGGATTACAGGCGTGAGCCACCGCGCCCGGCCTATGGCCAGAACTTTC, p.Phe2265_Lys2266insPhePhePhePhePhePheXaaXaaXaaXaaHisAspProProAlaAlaAlaSerGlnSerAlaGlyIleThrGlyValSerHisArgAlaArgProMetAlaArgThrPhe (NM_001351834.2); c.641-16448_641-16447insGAAAGTTCTGGCCATAGGCCGGGCGCGGTGGCTCACGCCTGTAATCCCAGCACTTTGGGAGGCCGCGGCGGGTGGATCATGNNNNNNNNNNAAAAAAAAAAAAAAAAAAAA (NM_001330368.2); c.*38+9701_*38+9702insGAAAGTTCTGGCCATAGGCCGGGCGCGGTGGCTCACGCCTGTAATCCCAGCACTTTGGGAGGCCGCGGCGGGTGGATCATGNNNNNNNNNNAAAAAAAAAAAAAAAAAAAA (NM_001351110.2).
Identifiers: ClinVar variation 3641733 (VCV003641733.2).